The following is an entry in ClinVar:

NM_206933.4(USH2A):c.9213G>A (p.Ser3071=)

Gene: USH2A (usherin; minus strand). Cytogenetic location: 1q41.
Variant type: single nucleotide variant.
Coding change: c.9213G>A on transcript NM_206933.4 (MANE Select); coding-DNA position 9213, G replaced by A.
Protein change: p.Ser3071=; no amino-acid change (serine 3071 retained).
Molecular consequence: synonymous variant.
Genome position (GRCh38, 1-based): chr1:215,844,339, C>T on the plus strand (G>A on the coding strand, the complement: USH2A is on the minus strand). VCF-style: chr1-215844339-C-T. GRCh37 (hg19) VCF-style: chr1-216017681-C-T.
Other names: p.Ser3071=.
Identifiers: ClinVar variation 48616 (VCV000048616.20), dbSNP rs111033397, ClinGen allele CA143648.

ClinVar aggregate classification (germline): Benign. Review status: criteria provided, multiple submitters, no conflicts (2 of 4 stars). 9 submissions from 8 submitters: Benign (8). 1 of the submissions does not count toward it. Last evaluated 2026-02-02.

Conditions:
Retinitis pigmentosa 39 (RP39). Identifiers: Orphanet 791, MedGen C3151138, MONDO:0013436, OMIM 613809.
Usher syndrome type 2A. Also called: RETINAL DISEASE IN USHER SYNDROME TYPE IIA, MODIFIER OF; USHER SYNDROME, TYPE IIA. Identifiers: Orphanet 231178, Orphanet 886, MedGen C1848634, MONDO:0010169, OMIM 276901.

Allele frequency attached by ClinVar (database versions not stated): gnomAD exomes 0.00138 and 0.00304; ExAC 0.00374; gnomAD 0.01048 and 0.01111; TOPMed 0.01208; ESP Exome Variant Server 0.01230; 1000 Genomes Project 0.01358; 1000 Genomes Project 30x 0.01421.
gnomAD v4.1: 3,671 of 1,613,708 alleles (0.23%); highest among the groups gnomAD compares: African/African-American, 3.8%; 47 homozygotes.

Submissions (9):

Labcorp Genetics (formerly Invitae), Labcorp
Classification: Benign. Last evaluated: 2026-02-02. Review status: criteria provided, single submitter. Criteria: Invitae Variant Classification Sherloc (09022015). Collection method: clinical testing. Allele origin: germline.

Genome-Nilou Lab
Classification: Benign for Retinitis pigmentosa 39. Last evaluated: 2023-11-04. Review status: criteria provided, single submitter. Criteria: ACMG Guidelines, 2015. Collection method: clinical testing. Allele origin: germline. Affected: no.

Genome-Nilou Lab
Classification: Benign for Usher syndrome type 2A. Last evaluated: 2023-11-04. Review status: criteria provided, single submitter. Criteria: ACMG Guidelines, 2015. Collection method: clinical testing. Allele origin: germline. Affected: no.

Mayo Clinic Laboratories, Mayo Clinic
Classification: Benign. Last evaluated: 2022-03-01. Review status: criteria provided, single submitter. Criteria: ACMG Guidelines, 2015. Collection method: clinical testing. Allele origin: germline. Observed: 2 variant alleles.
Comment: BA1, BS1, BS2

Athena Diagnostics
Classification: Benign. Last evaluated: 2018-05-24. Review status: criteria provided, single submitter. Criteria: Athena Diagnostics Criteria. Collection method: clinical testing. Allele origin: germline.

GeneDx
Classification: Benign. Last evaluated: 2018-01-12. Review status: criteria provided, single submitter. Criteria: GeneDx Variant Classification (06012015). Collection method: clinical testing. Allele origin: germline. Affected: yes.
Comment: This variant is considered likely benign or benign based on one or more of the following criteria: it is a conservative change, it occurs at a poorly conserved position in the protein, it is predicted to be benign by multiple in silico algorithms, and/or has population frequency not consistent with disease.

Laboratory for Molecular Medicine, Mass General Brigham Personalized Medicine
Classification: Benign. Last evaluated: 2011-01-10. Review status: criteria provided, single submitter. Criteria: LMM Criteria. Collection method: clinical testing. Allele origin: germline. Observed: 14 variant alleles.
Comment: Ser3071Ser in exon 46 of USH2A: This variant is not expected to have clinical si gnificance because it does not alter an amino acid residue, is not located near a splice junction and was identified in 6/118 (5%) Black individuals (rs11103339 7).

Breakthrough Genomics
Classification: Benign. Review status: criteria provided, single submitter. Criteria: ACMG Guidelines, 2015. Collection method: not provided. Allele origin: germline. Inheritance: Autosomal recessive inheritance. Affected: yes.

Natera, Inc.
Classification: Benign for Usher syndrome type 2A. Last evaluated: 2020-09-16. Review status: no assertion criteria provided. Collection method: clinical testing. Allele origin: germline. Not counted in ClinVar's aggregate classification.

Literature cited by the submitters: PubMed 20507924 (cited by Athena Diagnostics).